The following is an entry in ClinVar:

NC_000021.8:g.(?_47801713)_(47806749_?)del

Gene: PCNT (pericentrin; plus strand). Cytogenetic location: 21q22.3.
Variant type: Deletion.
Identifiers: ClinVar variation 3248197 (VCV003248197.1).

ClinVar aggregate classification (germline): Likely pathogenic (1 of 4 stars; one submission).

Submission:

Labcorp Genetics (formerly Invitae), Labcorp
Classification: Likely pathogenic. Last evaluated: 2023-04-11. Review status: criteria provided, single submitter. Criteria: Invitae Variant Classification Sherloc (09022015). Collection method: clinical testing. Allele origin: unknown.
Comment: In summary, the currently available evidence indicates that the variant is pathogenic, but additional data are needed to prove that conclusively. Therefore, this variant has been classified as Likely Pathogenic. This variant has not been reported in the literature in individuals affected with PCNT-related conditions. This variant results in the deletion of exon 17 and part of exon 16 (c.3270_3464+851del) of the PCNT gene. It is expected to disrupt RNA splicing. Variants that disrupt the donor or acceptor splice site typically lead to a loss of protein function (PMID: 16199547), and loss-of-function variants in PCNT are known to be pathogenic (PMID: 18174396, 22821869).

Literature cited by the submitters: PubMed 16199547; PubMed 18174396; PubMed 22821869.